The following is an entry in ClinVar:

ClinVar aggregate classification (germline): Benign/Likely benign. Review status: criteria provided, multiple submitters, no conflicts (2 of 4 stars). 4 submissions from 4 submitters: Benign (3); Likely benign (1). Last evaluated 2025-09-01.

Allele frequency attached by ClinVar (database versions not stated): gnomAD exomes 0.00042 and 0.00120; ExAC 0.00141; gnomAD 0.00359 and 0.00379; TOPMed 0.00424; ESP Exome Variant Server 0.00429; 1000 Genomes Project 0.00519; 1000 Genomes Project 30x 0.00593.
gnomAD v4.1: 1,187 of 1,613,930 alleles (0.074%); highest among the groups gnomAD compares: African/African-American, 1.3%; 4 homozygotes.

Submissions (4):

Labcorp Genetics (formerly Invitae), Labcorp
Classification: Benign. Last evaluated: 2025-09-01. Review status: criteria provided, single submitter. Criteria: Invitae Variant Classification Sherloc (09022015). Collection method: clinical testing. Allele origin: germline.

Blueprint Genetics
Classification: Likely benign. Last evaluated: 2024-11-06. Review status: criteria provided, single submitter. Criteria: ACMG Guidelines, 2015. Collection method: clinical testing. Allele origin: germline.

GeneDx
Classification: Benign. Last evaluated: 2018-11-19. Review status: criteria provided, single submitter. Criteria: GeneDx Variant Classification Process June 2021. Collection method: clinical testing. Allele origin: germline. Affected: yes.

Laboratory for Molecular Medicine, Mass General Brigham Personalized Medicine
Classification: Benign. Last evaluated: 2017-08-23. Review status: criteria provided, single submitter. Criteria: LMM Criteria. Collection method: clinical testing. Allele origin: germline. Observed: 1 variant allele.
Comment: p.Arg487Lys in exon 14 of FAM65B: This variant is not expected to have clinical significance because it has been identified in 1.55% (152/9800) of African chrom osomes by the Exome Aggregation Consortium (ExAC ; dbSNP rs142328958).

NM_001286445.3(RIPOR2):c.1397G>A (p.Arg466Lys)

Gene: RIPOR2 (RHO family interacting cell polarization regulator 2; minus strand). Cytogenetic location: 6p22.3.
Variant type: single nucleotide variant.
Coding change: c.1397G>A on transcript NM_001286445.3 (MANE Select); coding-DNA position 1397, G replaced by A.
Protein change: p.Arg466Lys; replaces arginine 466 with lysine.
Molecular consequence: missense variant.
Genome position (GRCh38, 1-based): chr6:24,843,322, C>T on the plus strand (G>A on the coding strand, the complement: RIPOR2 is on the minus strand). VCF-style: chr6-24843322-C-T. GRCh37 (hg19) VCF-style: chr6-24843550-C-T.
Other names: c.1412G>A, p.Arg471Lys (NM_001286446.3); c.1310G>A, p.Arg437Lys (NM_001286447.2, NM_001346031.2, NM_001346032.2 and 1 more transcripts); c.1460G>A, p.Arg487Lys (NM_014722.5); short protein forms R437K, R466K, R487K, R471K.
Identifiers: ClinVar variation 667060 (VCV000667060.17), dbSNP rs142328958, ClinGen allele CA3659258.